The following is an entry in ClinVar:

ClinVar aggregate classification (germline): Benign/Likely benign. Review status: criteria provided, multiple submitters, no conflicts (2 of 4 stars). 7 submissions from 7 submitters: Benign (6); Likely benign (1). Last evaluated 2026-05-09.

Conditions:
Thyroid dyshormonogenesis 6 (TDH6). Also called: HYPOTHYROIDISM, CONGENITAL, DUE TO DYSHORMONOGENESIS, 6; Genetic transient congenital hypothyroidism; THYROID HORMONOGENESIS, GENETIC DEFECT IN, 6. Identifiers: Orphanet 226316, Orphanet 95716, MedGen C1846632, MONDO:0011792, OMIM 607200.

Allele frequency attached by ClinVar (database versions not stated): ESP Exome Variant Server 0.16587; gnomAD exomes 0.09464; ExAC 0.09818; 1000 Genomes Project 0.15296; 1000 Genomes Project 30x 0.16177; TOPMed 0.16273.
gnomAD v4.1: 142,901 of 1,613,860 alleles (8.9%); highest among the groups gnomAD compares: African/African-American, 35%; 9,543 homozygotes.

Submissions (7):

Women's Health and Genetics/Laboratory Corporation of America, LabCorp
Classification: Benign. Last evaluated: 2026-05-09. Review status: criteria provided, single submitter. Criteria: LabCorp Variant Classification Summary - May 2015. Collection method: clinical testing. Allele origin: germline.

Labcorp Genetics (formerly Invitae), Labcorp
Classification: Benign. Last evaluated: 2026-02-04. Review status: criteria provided, single submitter. Criteria: Invitae Variant Classification Sherloc (09022015). Collection method: clinical testing. Allele origin: germline.

Blueprint Genetics
Classification: Likely benign. Last evaluated: 2024-11-27. Review status: criteria provided, single submitter. Criteria: ACMG Guidelines, 2015. Collection method: clinical testing. Allele origin: germline.

Mayo Clinic Laboratories, Mayo Clinic
Classification: Benign. Last evaluated: 2022-09-06. Review status: criteria provided, single submitter. Criteria: ACMG Guidelines, 2015. Collection method: clinical testing. Allele origin: germline. Observed: 11 variant alleles.

Illumina Laboratory Services, Illumina
Classification: Benign for Thyroid dyshormonogenesis 6. Last evaluated: 2018-01-12. Review status: criteria provided, single submitter. Criteria: ICSL Variant Classification Criteria 13 December 2019. Collection method: clinical testing. Allele origin: germline.
Comment: This variant was observed in the ICSL laboratory as part of a predisposition screen in an ostensibly healthy population. It had not been previously curated by ICSL or reported in the Human Gene Mutation Database (HGMD: prior to June 1st, 2018), and was therefore a candidate for classification through an automated scoring system. Utilizing variant allele frequency, disease prevalence and penetrance estimates, and inheritance mode, an automated score was calculated to assess if this variant is too frequent to cause the disease. Based on the score and internal cut-off values, a variant classified as benign is not then subjected to further curation. The score for this variant resulted in a classification of benign for this disease.

Breakthrough Genomics
Classification: Benign. Review status: criteria provided, single submitter. Criteria: ACMG Guidelines, 2015. Collection method: not provided. Allele origin: germline. Inheritance: Autosomal recessive inheritance. Affected: yes.

PreventionGenetics, part of Exact Sciences
Classification: Benign. Review status: criteria provided, single submitter. Criteria: ACMG Guidelines, 2015. Collection method: clinical testing. Allele origin: germline.

NM_001363711.2(DUOX2):c.2334+10C>T

Gene: DUOX2 (dual oxidase 2; minus strand). Cytogenetic location: 15q21.1.
Variant type: single nucleotide variant.
Coding change: c.2334+10C>T on transcript NM_001363711.2 (MANE Select); 10 bases into the intron after coding-DNA position 2334, C replaced by T.
Molecular consequence: intron variant.
Genome position (GRCh38, 1-based): chr15:45,105,633, G>A on the plus strand (C>T on the coding strand, the complement: DUOX2 is on the minus strand). VCF-style: chr15-45105633-G-A. GRCh37 (hg19) VCF-style: chr15-45397831-G-A.
Other names: p.?; c.2334+10C>T (NM_014080.5).
Identifiers: ClinVar variation 260321 (VCV000260321.18), dbSNP rs73406330, ClinGen allele CA7538299.